The following is an entry in ClinVar:

ClinVar aggregate classification (germline): Pathogenic (1 of 4 stars; one submission).

Conditions:
Familial adenomatous polyposis 1 (FAP1). Also called: FAMILIAL ADENOMATOUS POLYPOSIS 1, ATTENUATED; POLYPOSIS, ADENOMATOUS INTESTINAL. Identifiers: MedGen C2713442, MONDO:0021056, OMIM 175100. Disease mechanism: loss of function.

Submission:

Labcorp Genetics (formerly Invitae), Labcorp
Classification: Pathogenic for Familial adenomatous polyposis 1. Last evaluated: 2025-05-02. Review status: criteria provided, single submitter. Criteria: Invitae Variant Classification Sherloc (09022015). Collection method: clinical testing. Allele origin: germline.
Comment: This sequence change creates a premature translational stop signal (p.Gln2212*) in the APC gene. While this is not anticipated to result in nonsense mediated decay, it is expected to disrupt the last 632 amino acid(s) of the APC protein. This variant is not present in population databases (gnomAD no frequency). This variant has not been reported in the literature in individuals affected with APC-related conditions. This variant is expected to disrupt the EB1 and HDLG binding sites, which mediate interactions with the cytoskeleton (PMID: 15311282, 17293347). While functional studies have not been performed to directly test the effect on APC protein function, this suggests that disruption of the C-terminal portion of the protein is functionally important. A different truncation (p.Tyr2645Lysfs*14) that lies downstream of this variant has been determined to be pathogenic (PMID: 9824584, 1316610, 27081525, 8381579, 22135120, internal data). This suggests that deletion of this region of the APC protein is causative of disease. For these reasons, this variant has been classified as Pathogenic.

Literature cited by the submitters: PubMed 15311282; PubMed 17293347; PubMed 9824584; PubMed 1316610; PubMed 27081525; PubMed 8381579; PubMed 22135120.

NM_000038.6(APC):c.6634C>T (p.Gln2212Ter)

Gene: APC (APC regulator of Wnt signaling pathway; plus strand). Cytogenetic location: 5q22.2.
Variant type: single nucleotide variant.
Coding change: c.6634C>T on transcript NM_000038.6 (MANE Select); coding-DNA position 6634, C replaced by T.
Protein change: p.Gln2212Ter; replaces glutamine 2212 with a stop codon.
Molecular consequence: nonsense. On other transcripts: non-coding transcript variant (2).
Genome position (GRCh38, 1-based): chr5:112,842,228, C>T. VCF-style: chr5-112842228-C-T. GRCh37 (hg19) VCF-style: chr5-112177925-C-T.
Other names: c.6634C>T, p.Gln2212Ter (NM_001127510.3, NM_001354895.2, NM_001407450.1); c.6580C>T, p.Gln2194Ter (NM_001127511.3); c.6688C>T, p.Gln2230Ter (NM_001354896.2, NM_001407447.1, NM_001407448.1 and 1 more transcripts); c.6664C>T, p.Gln2222Ter (NM_001354897.2); c.6559C>T, p.Gln2187Ter (NM_001354898.2); c.6550C>T, p.Gln2184Ter (NM_001354899.2); c.6511C>T, p.Gln2171Ter (NM_001354900.2); c.6457C>T, p.Gln2153Ter (NM_001354901.2, NM_001407453.1); and 11 more; short protein forms Q2194*, Q2202*, Q2205*, Q2086*, Q2121*, Q2171*, Q2184*, Q1828*.
Identifiers: ClinVar variation 4718794 (VCV004718794.1).
Genomic context (GRCh38, chr5:112,842,228, plus strand): 5'-AAAAAAGTTTATAAAAGTTTGATTACTGGAAAAGTTCGATCTAATTCAGAAATTTCAGGC[C>T]AAATGAAACAGCCCCTTCAAGCAAACATGCCTTCAATCTCTCGAGGCAGGACAATGATTC-3'